The following is an entry in ClinVar:

ClinVar aggregate classification (germline): Uncertain significance. Review status: criteria provided, multiple submitters, no conflicts (2 of 4 stars). 2 submissions from 2 submitters: Uncertain significance (2). Last evaluated 2025-02-04.

Allele frequency attached by ClinVar (database versions not stated): gnomAD exomes 0.00001; ExAC 0.00002; gnomAD 0.00003.
gnomAD v4.1: 7 of 1,614,010 alleles (0.00043%); highest among the groups gnomAD compares: African/African-American, 0.0093%; no homozygotes.

Submissions (2):

Labcorp Genetics (formerly Invitae), Labcorp
Classification: Uncertain significance. Last evaluated: 2025-02-04. Review status: criteria provided, single submitter. Criteria: Invitae Variant Classification Sherloc (09022015). Collection method: clinical testing. Allele origin: germline.
Comment: This sequence change replaces aspartic acid, which is acidic and polar, with alanine, which is neutral and non-polar, at codon 765 of the IL12RB2 protein (p.Asp765Ala). This variant is present in population databases (rs746294345, gnomAD 0.02%). This variant has not been reported in the literature in individuals affected with IL12RB2-related conditions. ClinVar contains an entry for this variant (Variation ID: 3109074). An algorithm developed to predict the effect of missense changes on protein structure and function (PolyPhen-2) suggests that this variant is likely to be tolerated. In summary, the available evidence is currently insufficient to determine the role of this variant in disease. Therefore, it has been classified as a Variant of Uncertain Significance.

Ambry Genetics
Classification: Uncertain significance. Last evaluated: 2023-12-19. Review status: criteria provided, single submitter. Criteria: Ambry Variant Classification Scheme 2023. Collection method: clinical testing. Allele origin: germline.

NM_001374259.2(IL12RB2):c.2294A>C (p.Asp765Ala)

Gene: IL12RB2 (interleukin 12 receptor subunit beta 2; plus strand). Cytogenetic location: 1p31.3.
Variant type: single nucleotide variant.
Coding change: c.2294A>C on transcript NM_001374259.2 (MANE Select); coding-DNA position 2294, A replaced by C.
Protein change: p.Asp765Ala; replaces aspartic acid 765 with alanine.
Molecular consequence: missense variant. On other transcripts: 3 prime UTR variant (3), non-coding transcript variant (2).
Genome position (GRCh38, 1-based): chr1:67,395,794, A>C. VCF-style: chr1-67395794-A-C. GRCh37 (hg19) VCF-style: chr1-67861477-A-C.
Other names: c.*214A>C (NM_001258214.1, NM_001319233.1); c.2036A>C, p.Asp679Ala (NM_001258215.1); c.*195A>C (NM_001258216.1); c.2294A>C, p.Asp765Ala (NM_001559.3); short protein forms D765A, D679A.
Identifiers: ClinVar variation 3109074 (VCV003109074.2), dbSNP rs746294345, ClinGen allele CA900704.